The following is an entry in ClinVar:

ClinVar aggregate classification (germline): Conflicting classifications of pathogenicity. Review status: criteria provided, conflicting classifications (1 of 4 stars). 4 submissions from 3 submitters: Uncertain significance (1); Benign (1); Likely benign (2). Last evaluated 2023-06-16.

Conditions:
Cutis laxa, autosomal dominant 1 (ADCL1). Also called: ELN-Related Cutis Laxa. Identifiers: Orphanet 90348, MedGen C3276539, MONDO:0007411, OMIM 123700. Disease mechanism: Dominant Negative.
Supravalvar aortic stenosis (SVAS). Also called: Supravalvar aortic stenosis, Eisenberg type. Identifiers: Orphanet 3193, MedGen C0003499, MONDO:0008504, OMIM 185500, HP:0004381.

Allele frequency attached by ClinVar (database versions not stated): gnomAD 0.00001 and 0.00002; TOPMed 0.00001; ESP Exome Variant Server 0.00008.
gnomAD v4.1: 19 of 1,614,050 alleles (0.0012%); highest among the groups gnomAD compares: South Asian, 0.018%; no homozygotes.

Submissions (4):

Blueprint Genetics
Classification: Likely benign. Last evaluated: 2023-06-16. Review status: criteria provided, single submitter. Criteria: ACMG Guidelines, 2015. Collection method: clinical testing. Allele origin: germline.

Labcorp Genetics (formerly Invitae), Labcorp
Classification: Uncertain significance for Supravalvar aortic stenosis. Last evaluated: 2023-03-02. Review status: criteria provided, single submitter. Criteria: Invitae Variant Classification Sherloc (09022015). Collection method: clinical testing. Allele origin: germline.
Comment: ClinVar contains an entry for this variant (Variation ID: 911120). In summary, the available evidence is currently insufficient to determine the role of this variant in disease. Therefore, it has been classified as a Variant of Uncertain Significance. Advanced modeling of protein sequence and biophysical properties (such as structural, functional, and spatial information, amino acid conservation, physicochemical variation, residue mobility, and thermodynamic stability) performed at Invitae indicates that this missense variant is not expected to disrupt ELN protein function. This variant has not been reported in the literature in individuals affected with ELN-related conditions. This variant is present in population databases (rs150248865, gnomAD 0.02%). This sequence change replaces glycine, which is neutral and non-polar, with aspartic acid, which is acidic and polar, at codon 576 of the ELN protein (p.Gly576Asp).

Illumina Laboratory Services, Illumina
Classification: Benign for Cutis laxa, autosomal dominant 1. Last evaluated: 2018-01-13. Review status: criteria provided, single submitter. Criteria: ICSL Variant Classification Criteria 13 December 2019. Collection method: clinical testing. Allele origin: germline.
Comment: This variant was observed in the ICSL laboratory as part of a predisposition screen in an ostensibly healthy population. It had not been previously curated by ICSL or reported in the Human Gene Mutation Database (HGMD: prior to June 1st, 2018), and was therefore a candidate for classification through an automated scoring system. Utilizing variant allele frequency, disease prevalence and penetrance estimates, and inheritance mode, an automated score was calculated to assess if this variant is too frequent to cause the disease. Based on the score and internal cut-off values, a variant classified as benign is not then subjected to further curation. The score for this variant resulted in a classification of benign for this disease.

Illumina Laboratory Services, Illumina
Classification: Likely benign for Supravalvar aortic stenosis. Last evaluated: 2018-01-13. Review status: criteria provided, single submitter. Criteria: ICSL Variant Classification Criteria 13 December 2019. Collection method: clinical testing. Allele origin: germline.
Comment: This variant was observed in the ICSL laboratory as part of a predisposition screen in an ostensibly healthy population. It had not been previously curated by ICSL or reported in the Human Gene Mutation Database (HGMD: prior to June 1st, 2018), and was therefore a candidate for classification through an automated scoring system. Utilizing variant allele frequency, disease prevalence and penetrance estimates, and inheritance mode, an automated score was calculated to assess if this variant is too frequent to cause the disease. Based on the score and internal cut-off values, a variant classified as likely benign is not then subjected to further curation. The score for this variant resulted in a classification of likely benign for this disease.

NM_000501.4(ELN):c.1640G>A (p.Gly547Asp)

Genes: ELN (elastin; plus strand), ELN-AS1 (ELN antisense RNA 1; minus strand). Cytogenetic location: 7q11.23.
Variant type: single nucleotide variant.
Coding change: c.1640G>A on transcript NM_000501.4 (MANE Select); coding-DNA position 1640, G replaced by A.
Protein change: p.Gly547Asp; replaces glycine 547 with aspartic acid.
Molecular consequence: missense variant.
Genome position (GRCh38, 1-based): chr7:74,060,394, G>A. VCF-style: chr7-74060394-G-A. GRCh37 (hg19) VCF-style: chr7-73474724-G-A.
Other names: c.1553G>A, p.Gly518Asp (NM_001081752.3); c.1598G>A, p.Gly533Asp (NM_001081753.3); c.1655G>A, p.Gly552Asp (NM_001081754.3); c.1583G>A, p.Gly528Asp (NM_001081755.3); c.1640G>A, p.Gly547Asp (NM_001278912.2); c.1397G>A, p.Gly466Asp (NM_001278913.2); c.1568G>A, p.Gly523Asp (NM_001278914.2); c.1658G>A, p.Gly553Asp (NM_001278915.2); and 4 more; short protein forms G458D, G552D, G553D, G576D, G523D, G537D, G547D, G499D.
Identifiers: ClinVar variation 911120 (VCV000911120.8), dbSNP rs150248865, ClinGen allele CA4293147.